The following is an entry in ClinVar:

ClinVar aggregate classification (germline): Uncertain significance (1 of 4 stars; one submission).

gnomAD v4.1: 2 of 152,248 alleles (0.0013%); highest among the groups gnomAD compares: African/African-American, 0.0024%; no homozygotes.

Submission:

Institute for Human Genetics, University Hospital Essen
Classification: Uncertain significance. Last evaluated: 2025-11-27. Review status: criteria provided, single submitter. Criteria: Submitter's publication. Collection method: clinical testing. Allele origin: inherited. Inheritance: Autosomal unknown. Affected: yes. Observed: 1 variant allele, 1 compound heterozygote.
Comment: PM1, PM2_supp, PM3 (criteria rationale detailed in Leitão et al. Nature Genetics 2026)

NR_199791.1(RNU2-2):n.26A>G

Genes: RNU2-2 (RNA, U2 small nuclear 2; minus strand), WDR74 (WD repeat domain 74; minus strand). Cytogenetic location: 11q12.3.
Variant type: single nucleotide variant.
Molecular consequence: non-coding transcript variant (on NR_199791.1). On other transcripts: 5 prime UTR variant (1).
Genome position: GRCh38 VCF-style: chr11-62841784-T-C. GRCh37 (hg19) VCF-style: chr11-62609256-T-C.
Other names: c.-513A>G (NM_001369451.1).
Identifiers: ClinVar variation 4540467 (VCV004540467.1).
Genomic context (GRCh38, chr11:62,841,784, plus strand): 5'-TTGTCCTCGGATAGAGGACGTATCAGATATTAAACTGATAAGAACAGATACTACACTTGA[T>C]CTTAGCCAAAAGGCCGAGAAGCGATACCTTTACTTCGGTCGCCTCGGCGGCCTTATCCTT-3'